The following is an entry in ClinVar:

ClinVar aggregate classification (germline): Conflicting classifications of pathogenicity. Review status: criteria provided, conflicting classifications (1 of 4 stars). 10 submissions from 10 submitters: Uncertain significance (8); Likely benign (2). Last evaluated 2026-01-24.

Conditions:
RAB27A-related disorder. Also called: RAB27A-related condition.
Autoinflammatory syndrome. Identifiers: Orphanet 93665, MedGen C3890737, MONDO:0019751.
Griscelli syndrome type 2 (GS2). Also called: PAID SYNDROME; PARTIAL ALBINISM AND IMMUNODEFICIENCY SYNDROME; GRISCELLI SYNDROME WITH HEMOPHAGOCYTIC SYNDROME. Identifiers: Orphanet 381, Orphanet 79477, MedGen C1868679, MONDO:0011872, OMIM 607624.

Allele frequency attached by ClinVar (database versions not stated): ESP Exome Variant Server 0.00008; gnomAD exomes 0.00012 and 0.00052; gnomAD 0.00022 and 0.00027; TOPMed 0.00036; ExAC 0.00044; 1000 Genomes Project 0.00180; 1000 Genomes Project 30x 0.00187.
gnomAD v4.1: 263 of 1,614,146 alleles (0.016%); highest among the groups gnomAD compares: East Asian, 0.31%; 1 homozygote.

Submissions (10):

Labcorp Genetics (formerly Invitae), Labcorp
Classification: Likely benign for Griscelli syndrome type 2. Last evaluated: 2026-01-24. Review status: criteria provided, single submitter. Criteria: Invitae Variant Classification Sherloc (09022015). Collection method: clinical testing. Allele origin: germline.

Blueprint Genetics
Classification: Uncertain significance. Last evaluated: 2024-10-08. Review status: criteria provided, single submitter. Criteria: ACMG Guidelines, 2015. Collection method: clinical testing. Allele origin: germline.

Women's Health and Genetics/Laboratory Corporation of America, LabCorp
Classification: Uncertain significance. Last evaluated: 2024-04-26. Review status: criteria provided, single submitter. Criteria: LabCorp Variant Classification Summary - May 2015. Collection method: clinical testing. Allele origin: germline.
Comment: Variant summary: RAB27A c.560G>A (p.Arg187Gln) results in a conservative amino acid change in the encoded protein sequence. Four of five in-silico tools predict a benign effect of the variant on protein function. The variant allele was found at a frequency of 0.00052 in 251456 control chromosomes (gnomAD). c.560G>A has been reported in the literature in individuals affected with Haemophagocytic lymphohistiocytosis or Menieres disease without strong evidence of causality (Zhao_2020, Guan_2021, Zou_2023). These reports do not provide unequivocal conclusions about association of the variant with Griscelli Syndrome Type 2. To our knowledge, no experimental evidence demonstrating an impact on protein function has been reported. The following publications have been ascertained in the context of this evaluation (PMID: 31164711, 34170459, 37273692). ClinVar contains an entry for this variant (Variation ID: 235346). Based on the evidence outlined above, the variant was classified as uncertain significance.

PreventionGenetics, part of Exact Sciences
Classification: Uncertain significance for RAB27A-related condition. Last evaluated: 2022-12-21. Review status: criteria provided, single submitter. Criteria: ACMG Guidelines, 2015. Collection method: clinical testing. Allele origin: germline.
Comment: The RAB27A c.560G>A variant is predicted to result in the amino acid substitution p.Arg187Gln. This variant has been reported in the heterozygous state in two individuals with hemophagocytic lymphohistiocytosis and one individual with a chronic active EBV infection of T/NK-cell type (Zhao Y et al. 2019. PubMed ID: 31164711; Table 2, Gao L et al. 2021. PubMed ID: 34185399; Table S1, Guan YQ et al. 2021. PubMed ID: 34170459). In both individuals with hemophagocytic lymphohistiocytosis, this variant was reported to be inherited, in one case from a parent who was noted to have impaired NK cytotoxicity function (Figure 2, Zhao Y et al. 2019. PubMed ID: 31164711; Table 2, Gao L et al. 2021. PubMed ID: 34185399). This variant is reported in 0.69% of alleles in individuals of East Asian descent in gnomAD. At this time, the clinical significance of this variant is uncertain due to the absence of conclusive functional and genetic evidence.

Center for Genomics, Ann and Robert H. Lurie Children's Hospital of Chicago
Classification: Uncertain significance for Griscelli syndrome type 2. Last evaluated: 2021-12-22. Review status: criteria provided, single submitter. Criteria: ACMG Guidelines, 2015. Collection method: clinical testing. Allele origin: germline.
Comment: RAB27A NM_004580.4 exon6 p.Arg187Gln (c.560G>A): This variant has been reported in the literature in the heterozygous state in at least two individuals affected by refractory hemophagocytic lymphohistiocytosis, with no second variant in RAB27A identified (Zhao 2019 PMID:31164711). This variant is also present in 0.6% (137/19954) of East Asian alleles in the Genome Aggregation Database and is present in ClinVar (Variation ID:235346). Computational predictive tools for this variant are unclear. Splice prediction tools suggest that this variant may affect splicing. However, further studies are needed to understand its impact. In summary, data on this variant is insufficient for disease classification. Therefore, the clinical significance of this variant is uncertain.

Department of Pathology and Laboratory Medicine, Sinai Health System
Classification: Uncertain significance for Griscelli syndrome type 2. Last evaluated: 2021-12-06. Review status: criteria provided, single submitter. Criteria: ACMG Guidelines, 2015. Collection method: research. Allele origin: germline.

Revvity Omics, Revvity
Classification: Uncertain significance for Griscelli syndrome type 2. Last evaluated: 2021-11-10. Review status: criteria provided, single submitter. Criteria: ACMG Guidelines, 2015. Collection method: clinical testing. Allele origin: germline.

Genome Diagnostics Laboratory, The Hospital for Sick Children
Classification: Uncertain significance for Autoinflammatory syndrome. Last evaluated: 2020-04-01. Review status: criteria provided, single submitter. Criteria: ACMG Guidelines, 2015. Collection method: clinical testing. Allele origin: germline. Affected: yes.

Illumina Laboratory Services, Illumina
Classification: Likely benign for Griscelli syndrome type 2. Last evaluated: 2018-01-12. Review status: criteria provided, single submitter. Criteria: ICSL Variant Classification Criteria 13 December 2019. Collection method: clinical testing. Allele origin: germline.
Comment: This variant was observed in the ICSL laboratory as part of a predisposition screen in an ostensibly healthy population. It had not been previously curated by ICSL or reported in the Human Gene Mutation Database (HGMD: prior to June 1st, 2018), and was therefore a candidate for classification through an automated scoring system. Utilizing variant allele frequency, disease prevalence and penetrance estimates, and inheritance mode, an automated score was calculated to assess if this variant is too frequent to cause the disease. Based on the score and internal cut-off values, a variant classified as likely benign is not then subjected to further curation. The score for this variant resulted in a classification of likely benign for this disease.

Center for Pediatric Genomic Medicine, Children's Mercy Hospital and Clinics
Classification: Uncertain significance. Last evaluated: 2015-06-02. Review status: criteria provided, single submitter. Criteria: ACMG Guidelines, 2015. Collection method: clinical testing. Allele origin: germline.
ClinVar note: Converted during submission from Uncertain Significance to Uncertain significance.

Literature cited by the submitters: PubMed 34170459 (cited by Women's Health and Genetics/Laboratory Corporation of America, LabCorp); PubMed 31164711 (cited by Women's Health and Genetics/Laboratory Corporation of America, LabCorp); PubMed 37273692 (cited by Women's Health and Genetics/Laboratory Corporation of America, LabCorp).

NM_183235.3(RAB27A):c.560G>A (p.Arg187Gln)

Gene: RAB27A (RAB27A, member RAS oncogene family; minus strand). Cytogenetic location: 15q21.3.
Variant type: single nucleotide variant.
Coding change: c.560G>A on transcript NM_183235.3 (MANE Select); coding-DNA position 560, G replaced by A.
Protein change: p.Arg187Gln; replaces arginine 187 with glutamine.
Molecular consequence: missense variant.
Genome position (GRCh38, 1-based): chr15:55,205,613, C>T on the plus strand (G>A on the coding strand, the complement: RAB27A is on the minus strand). VCF-style: chr15-55205613-C-T. GRCh37 (hg19) VCF-style: chr15-55497811-C-T.
Other names: c.560G>A, p.Arg187Gln (NM_004580.5, NM_183234.3, NM_183236.3); short protein forms R187Q.
Identifiers: ClinVar variation 235346 (VCV000235346.29), dbSNP rs182849552, ClinGen allele CA7573530.